The following is an entry in ClinVar:

ClinVar aggregate classification (germline): Uncertain significance (1 of 4 stars; one submission).

Allele frequency attached by ClinVar (database versions not stated): TOPMed 0.00002; ExAC 0.00005; ESP Exome Variant Server 0.00008.
gnomAD v4.1: 22 of 1,613,988 alleles (0.0014%); highest among the groups gnomAD compares: East Asian, 0.0045%; no homozygotes.

Submission:

Labcorp Genetics (formerly Invitae), Labcorp
Classification: Uncertain significance. Last evaluated: 2022-04-25. Review status: criteria provided, single submitter. Criteria: Invitae Variant Classification Sherloc (09022015). Collection method: clinical testing. Allele origin: germline.
Comment: In summary, the available evidence is currently insufficient to determine the role of this variant in disease. Therefore, it has been classified as a Variant of Uncertain Significance. Algorithms developed to predict the effect of missense changes on protein structure and function are either unavailable or do not agree on the potential impact of this missense change (SIFT: "Deleterious"; PolyPhen-2: "Probably Damaging"; Align-GVGD: "Class C0"). This variant has not been reported in the literature in individuals affected with MCM2-related conditions. This variant is present in population databases (rs376214773, gnomAD 0.004%). This sequence change replaces arginine, which is basic and polar, with histidine, which is basic and polar, at codon 198 of the MCM2 protein (p.Arg198His).

NM_004526.4(MCM2):c.593G>A (p.Arg198His)

Gene: MCM2 (minichromosome maintenance complex component 2; plus strand). Cytogenetic location: 3q21.3.
Variant type: single nucleotide variant.
Coding change: c.593G>A on transcript NM_004526.4 (MANE Select); coding-DNA position 593, G replaced by A.
Protein change: p.Arg198His; replaces arginine 198 with histidine.
Molecular consequence: missense variant. On other transcripts: non-coding transcript variant (1).
Genome position (GRCh38, 1-based): chr3:127,605,076, G>A. VCF-style: chr3-127605076-G-A. GRCh37 (hg19) VCF-style: chr3-127323919-G-A.
Other names: short protein forms R198H.
Identifiers: ClinVar variation 1911141 (VCV001911141.5), dbSNP rs376214773, ClinGen allele CA2595638.